The following is an entry in ClinVar:

ClinVar aggregate classification (germline): Uncertain significance. Review status: criteria provided, multiple submitters, no conflicts (2 of 4 stars). 2 submissions from 2 submitters: Uncertain significance (2). Last evaluated 2022-09-06.

Conditions:
Joubert syndrome. Also called: JOUBERT-BOLTSHAUSER SYNDROME; Familial aplasia of the vermis. Identifiers: Orphanet 475, MedGen C5979921, MONDO:0018772.
Meckel-Gruber syndrome. Also called: Dysencephalia splachnocystica; DYSENCEPHALIA SPLANCHNOCYSTICA; GRUBER SYNDROME. Identifiers: Orphanet 564, MedGen C0265215, MONDO:0018921.

Submissions (2):

Labcorp Genetics (formerly Invitae), Labcorp
Classification: Uncertain significance for Joubert syndrome; Meckel-Gruber syndrome. Last evaluated: 2022-09-06. Review status: criteria provided, single submitter. Criteria: Invitae Variant Classification Sherloc (09022015). Collection method: clinical testing. Allele origin: germline.
Comment: In summary, the available evidence is currently insufficient to determine the role of this variant in disease. Therefore, it has been classified as a Variant of Uncertain Significance. Experimental studies and prediction algorithms are not available or were not evaluated, and the functional significance of this variant is currently unknown. ClinVar contains an entry for this variant (Variation ID: 1000645). This variant has not been reported in the literature in individuals affected with CC2D2A-related conditions. This variant is not present in population databases (gnomAD no frequency). This sequence change creates a premature translational stop signal (p.Val1583Glufs*14) in the CC2D2A gene. While this is not anticipated to result in nonsense mediated decay, it is expected to disrupt the last 38 amino acid(s) of the CC2D2A protein.

Blueprint Genetics
Classification: Uncertain significance. Last evaluated: 2021-06-29. Review status: criteria provided, single submitter. Criteria: ACMG Guidelines, 2015. Collection method: clinical testing. Allele origin: germline.

NM_001378615.1(CC2D2A):c.4746_4747dup (p.Val1583fs)

Genes: FBXL5 (F-box and leucine rich repeat protein 5; minus strand), CC2D2A (coiled-coil and C2 domain containing 2A; plus strand). Cytogenetic location: 4p15.32.
Variant type: Duplication.
Coding change: c.4746_4747dup on transcript NM_001378615.1 (MANE Select); coding-DNA positions 4746 to 4747, 2 bases duplicated (AG; older notation c.4746_4747dupAG).
Protein change: p.Val1583fs; shifts the reading frame from valine 1583.
Molecular consequence: frameshift variant.
Genome position (GRCh38, 1-based): chr4:15,601,308-15,601,309, AG duplicated; duplicating any 2 consecutive bases within chr4:15,601,307-15,601,309 gives the same sequence; the c. name uses the placement nearest the transcript's 3' end. VCF-style (leftmost placement, unchanged base first): chr4-15601306-G-GGA. GRCh37 (hg19) VCF-style: chr4-15602929-G-GGA.
Other names: c.4746_4747dup, p.Val1583fs (NM_001080522.2); c.4599_4600dup, p.Val1534fs (NM_001378617.1); short protein forms V1534fs, V1583fs.
Identifiers: ClinVar variation 1000645 (VCV001000645.8), dbSNP rs1721586115, ClinGen allele CA1440712376.